The following is an entry in ClinVar:

ClinVar aggregate classification (germline): Uncertain significance. Review status: criteria provided, multiple submitters, no conflicts (2 of 4 stars). 3 submissions from 3 submitters: Uncertain significance (3). Last evaluated 2023-08-10.

Conditions:
Autosomal dominant limb-girdle muscular dystrophy type 1F (LGMDD2). Also called: Limb-girdle muscular dystrophy, type 1F; MUSCULAR DYSTROPHY, LIMB-GIRDLE, AUTOSOMAL DOMINANT 2. Identifiers: Orphanet 55595, MedGen C1842062, MONDO:0012034, OMIM 608423.

Allele frequency attached by ClinVar (database versions not stated): TOPMed below 0.00001.

Submissions (3):

Labcorp Genetics (formerly Invitae), Labcorp
Classification: Uncertain significance for Autosomal dominant limb-girdle muscular dystrophy type 1F. Last evaluated: 2023-08-10. Review status: criteria provided, single submitter. Criteria: Invitae Variant Classification Sherloc (09022015). Collection method: clinical testing. Allele origin: germline.
Comment: In summary, the available evidence is currently insufficient to determine the role of this variant in disease. Therefore, it has been classified as a Variant of Uncertain Significance. Advanced modeling of protein sequence and biophysical properties (such as structural, functional, and spatial information, amino acid conservation, physicochemical variation, residue mobility, and thermodynamic stability) performed at Invitae indicates that this missense variant is not expected to disrupt TNPO3 protein function. ClinVar contains an entry for this variant (Variation ID: 1206928). This variant has not been reported in the literature in individuals affected with TNPO3-related conditions. This variant is not present in population databases (gnomAD no frequency). This sequence change replaces alanine, which is neutral and non-polar, with serine, which is neutral and polar, at codon 331 of the TNPO3 protein (p.Ala331Ser).

Revvity Omics, Revvity
Classification: Uncertain significance for Autosomal dominant limb-girdle muscular dystrophy type 1F. Last evaluated: 2022-04-01. Review status: criteria provided, single submitter. Criteria: ACMG Guidelines, 2015. Collection method: clinical testing. Allele origin: germline.

GeneDx
Classification: Uncertain significance. Last evaluated: 2021-04-29. Review status: criteria provided, single submitter. Criteria: GeneDx Variant Classification Process June 2021. Collection method: clinical testing. Allele origin: germline. Affected: yes.
Comment: Not observed in large population cohorts (Lek et al., 2016); In silico analysis, which includes protein predictors and evolutionary conservation, supports that this variant does not alter protein structure/function; Has not been previously published as pathogenic or benign to our knowledge

NM_012470.4(TNPO3):c.991G>T (p.Ala331Ser)

Gene: TNPO3 (transportin 3; minus strand). Cytogenetic location: 7q32.1.
Variant type: single nucleotide variant.
Coding change: c.991G>T on transcript NM_012470.4 (MANE Select); coding-DNA position 991, G replaced by T.
Protein change: p.Ala331Ser; replaces alanine 331 with serine.
Molecular consequence: missense variant. On other transcripts: non-coding transcript variant (18).
Genome position (GRCh38, 1-based): chr7:129,000,449, C>A on the plus strand (G>T on the coding strand, the complement: TNPO3 is on the minus strand). VCF-style: chr7-129000449-C-A. GRCh37 (hg19) VCF-style: chr7-128640503-C-A.
Other names: c.991G>T, p.Ala331Ser (NM_001191028.3, NM_001382216.1, NM_001382218.1 and 4 more transcripts); c.1072G>T, p.Ala358Ser (NM_001382217.1); c.847G>T, p.Ala283Ser (NM_001382221.1); short protein forms A283S, A331S, A358S.
Identifiers: ClinVar variation 1206928 (VCV001206928.12), dbSNP rs1801818228, ClinGen allele CA369237841.